The following is an entry in ClinVar:

ClinVar aggregate classification (germline): Pathogenic (1 of 4 stars; one submission).

Submission:

GeneDx
Classification: Pathogenic. Last evaluated: 2017-05-11. Review status: criteria provided, single submitter. Criteria: GeneDx Variant Classification (06012015). Collection method: clinical testing. Allele origin: germline. Affected: yes.
Comment: The C1158S variant in the KMT2A gene has not been reported previously as a pathogenic variant nor as a benign variant, to our knowledge. The C1158S variant is not observed in large population cohorts (Lek et al., 2016; 1000 Genomes Consortium et al., 2015; Exome Variant Server). The C1158S variant is a non-conservative amino acid substitution, which is likely to impact secondary protein structure as these residues differ in polarity, charge, size and/or other properties. This substitution occurs at a position that is conserved across species. In silico analysis predicts this variant is probably damaging to the protein structure/function. Missense variants in nearby residues (C1155Y, C1161G) have been reported in the Human Gene Mutation Database in association with Wiedemann-Steiner syndrome (Stenson et al., 2014), supporting the functional importance of this region of the protein.We interpret C1158S as a pathogenic variant.

NM_001197104.2(KMT2A):c.3473G>C (p.Cys1158Ser)

Gene: KMT2A (lysine methyltransferase 2A; plus strand). Cytogenetic location: 11q23.3.
Variant type: single nucleotide variant.
Coding change: c.3473G>C on transcript NM_001197104.2 (MANE Select); coding-DNA position 3473, G replaced by C.
Protein change: p.Cys1158Ser; replaces cysteine 1158 with serine.
Molecular consequence: missense variant.
Genome position (GRCh38, 1-based): chr11:118,478,105, G>C. VCF-style: chr11-118478105-G-C. GRCh37 (hg19) VCF-style: chr11-118348820-G-C.
Other names: c.3473G>C, p.Cys1158Ser (NM_005933.4); short protein forms C1158S.
Identifiers: ClinVar variation 429638 (VCV000429638.2), dbSNP rs1131691503, ClinGen allele CA382824834.